The following is an entry in ClinVar:

ClinVar aggregate classification (germline): Uncertain significance. Review status: criteria provided, multiple submitters, no conflicts (2 of 4 stars). 7 submissions from 7 submitters: Uncertain significance (7). Last evaluated 2026-02-20.

Conditions:
Hirschsprung disease, susceptibility to, 1 (HSCR1). Also called: RET-Related Hirschsprung Disease. Identifiers: Orphanet 388, MedGen C3888239, MONDO:0007723, OMIM 142623.
Multiple endocrine neoplasia type 2B. Also called: WAGENMANN-FROBOESE SYNDROME; MULTIPLE ENDOCRINE NEOPLASIA, TYPE III; MULTIPLE ENDOCRINE NEOPLASIA, TYPE IIB; MEN IIB; NEUROMATA, MUCOSAL, WITH ENDOCRINE TUMORS; MEN 2B. Identifiers: Orphanet 247709, Orphanet 653, MedGen C0025269, MeSH D018814, MONDO:0008082, OMIM 162300.
Pheochromocytoma. Also called: MAX-Related Hereditary Paraganglioma-Pheochromocytoma Syndrome. Identifiers: Orphanet 29072, MedGen C0031511, MONDO:0008233, OMIM 171300, HP:0002666.
Familial medullary thyroid carcinoma (MTC). Also called: Thyroid cancer, familial medullary; MTC, familial; Familial Medullary Thyroid Carcinoma (FMTC). Identifiers: Orphanet 653, Orphanet 99361, MedGen C1833921, MONDO:0007958, OMIM 155240.
Multiple endocrine neoplasia type 2A. Also called: Multiple Endocrine Neoplasia Type 2A (MEN2A); MULTIPLE ENDOCRINE NEOPLASIA, TYPE IIA; PTC SYNDROME; SIPPLE SYNDROME; MEN 2A; MEN-2A syndrome. Identifiers: Orphanet 247698, Orphanet 653, MedGen C0025268, MeSH D018813, MONDO:0008234, OMIM 171400.
Hereditary cancer-predisposing syndrome. Also called: Tumor predisposition; Hereditary Cancer Syndrome; Hereditary neoplastic syndrome; Neoplastic Syndromes, Hereditary. Identifiers: Orphanet 140162, MedGen C0027672, MeSH D009386, MONDO:0015356.
Multiple endocrine neoplasia, type 2 (MEN2). Identifiers: Orphanet 653, MedGen C4048306, MONDO:0019003. Disease mechanism: gain of function.

Allele frequency attached by ClinVar (database versions not stated): gnomAD 0.00001; TOPMed 0.00001.
gnomAD v4.1: 11 of 1,612,106 alleles (0.00068%); highest among the groups gnomAD compares: African/African-American, 0.0013%; no homozygotes.

Submissions (7):

St. Jude Molecular Pathology, St. Jude Children's Research Hospital
Classification: Uncertain significance for Multiple endocrine neoplasia type 2A. Last evaluated: 2026-02-20. Review status: criteria provided, single submitter. Criteria: St. Jude Assertion Criteria 2020. Collection method: clinical testing. Allele origin: germline.
Comment: The RET c.776C>T p.(Pro259Leu) missense change has a maximum founder subpopulation frequency of 0.005% and a maximum non-founder subpopulation frequency o f 0.003% in gnomAD v2.1.1. The in silico tool REVEL predicts a benign effect on protein function, but to our knowledge this prediction has not been confirmed by functional studies. To our knowledge, this variant has no t been reported in the literature in individuals with multiple endocrine neoplasia type II. In summary, the evidence currently available is insufficient to determine the clinical significance of this variant. It has therefore been classified as of uncertain significance.

Labcorp Genetics (formerly Invitae), Labcorp
Classification: Uncertain significance for Multiple endocrine neoplasia, type 2. Last evaluated: 2026-01-18. Review status: criteria provided, single submitter. Criteria: Invitae Variant Classification Sherloc (09022015). Collection method: clinical testing. Allele origin: germline.
Comment: This sequence change replaces proline, which is neutral and non-polar, with leucine, which is neutral and non-polar, at codon 259 of the RET protein (p.Pro259Leu). The frequency data for this variant in the population databases is considered unreliable, as metrics indicate poor data quality at this position in the gnomAD database. This variant has not been reported in the literature in individuals affected with RET-related conditions. ClinVar contains an entry for this variant (Variation ID: 405523). An algorithm developed to predict the effect of missense changes on protein structure and function outputs the following: PolyPhen-2: "Benign". The leucine amino acid residue is found in multiple mammalian species, which suggests that this missense change does not adversely affect protein function. In summary, the available evidence is currently insufficient to determine the role of this variant in disease. Therefore, it has been classified as a Variant of Uncertain Significance.

Color Diagnostics, LLC DBA Color Health
Classification: Uncertain significance for Multiple endocrine neoplasia, type 2. Last evaluated: 2025-09-04. Review status: criteria provided, single submitter. Criteria: ACMG Guidelines, 2015. Collection method: clinical testing. Allele origin: germline.
Comment: This missense variant replaces proline with leucine at codon 259 of the RET protein. Computational prediction suggests that this variant may not impact protein structure and function. To our knowledge, functional studies have not been reported for this variant. This variant has not been reported in individuals affected with RET-related disorders in the literature. This variant has been identified in 3/246246 chromosomes in the general population by the Genome Aggregation Database (gnomAD). The available evidence is insufficient to determine the role of this variant in disease conclusively. Therefore, this variant is classified as a Variant of Uncertain Significance.

Ambry Genetics
Classification: Uncertain significance for Hereditary cancer-predisposing syndrome. Last evaluated: 2025-04-10. Review status: criteria provided, single submitter. Criteria: Ambry Variant Classification Scheme 2023. Collection method: clinical testing. Allele origin: germline.
Comment: The p.P259L variant (also known as c.776C>T), located in coding exon 4 of the RET gene, results from a C to T substitution at nucleotide position 776. The proline at codon 259 is replaced by leucine, an amino acid with similar properties. This variant has been detected in multiple individuals with no reported features of multiple endocrine neoplasia type 2 (MEN2) (Ambry internal data). This amino acid position is not well conserved in available vertebrate species. In addition, this alteration is predicted to be tolerated by in silico analysis. Based on the supporting evidence, the association of this alteration with Hirschsprung disease is unknown; however, the association of this alteration with MEN2 is unlikely.

Fulgent Genetics
Classification: Uncertain significance for Hirschsprung disease, susceptibility to, 1; Familial medullary thyroid carcinoma; Multiple endocrine neoplasia type 2B; Pheochromocytoma; Multiple endocrine neoplasia type 2A. Last evaluated: 2024-05-24. Review status: criteria provided, single submitter. Criteria: ACMG Guidelines, 2015. Collection method: clinical testing. Allele origin: germline.

All of Us Research Program, National Institutes of Health
Classification: Uncertain significance for Multiple endocrine neoplasia, type 2. Last evaluated: 2023-08-23. Review status: criteria provided, single submitter. Criteria: ACMG Guidelines, 2015. Collection method: clinical testing. Allele origin: germline. Inheritance: Autosomal dominant inheritance. Observed: 1 variant allele, 1 heterozygote.
Comment: This missense variant replaces proline with leucine at codon 259 of the RET protein. Computational prediction suggests that this variant may not impact protein structure and function (internally defined REVEL score threshold <= 0.5, PMID: 27666373). To our knowledge, functional studies have not been reported for this variant. This variant has not been reported in individuals affected with RET-related disorders in the literature. This variant has been identified in 3/246246 chromosomes in the general population by the Genome Aggregation Database (gnomAD). The available evidence is insufficient to determine the role of this variant in disease conclusively. Therefore, this variant is classified as a Variant of Uncertain Significance.

This study involves interpretation of variants in research participants for the purpose of population health screening. Participant phenotype was not available at the time of variant classification. Additional details can be found in publication PMID: 35346344, PMCID: PMC8962531

Eurofins Ntd Llc (ga)
Classification: Uncertain significance. Last evaluated: 2018-03-04. Review status: criteria provided, single submitter. Criteria: EGL ClinVar v180209 classification definitions. Collection method: clinical testing. Allele origin: germline. Observed: 1 variant allele, 1 heterozygote.

NM_020975.6(RET):c.776C>T (p.Pro259Leu)

Gene: RET (ret proto-oncogene; plus strand). Cytogenetic location: 10q11.21.
Variant type: single nucleotide variant.
Coding change: c.776C>T on transcript NM_020975.6 (MANE Select); coding-DNA position 776, C replaced by T.
Protein change: p.Pro259Leu; replaces proline 259 with leucine.
Molecular consequence: missense variant.
Genome position (GRCh38, 1-based): chr10:43,105,102, C>T. VCF-style: chr10-43105102-C-T. GRCh37 (hg19) VCF-style: chr10-43600550-C-T.
Other names: c.776C>T (NM_020630.5); c.776C>T, p.Pro259Leu (NM_000323.2, NM_001406743.1, NM_001406744.1 and 8 more transcripts); c.14C>T, p.Pro5Leu (NM_001355216.2); c.647C>T, p.Pro216Leu (NM_001406761.1, NM_001406762.1, NM_001406764.1 and 2 more transcripts); c.488C>T, p.Pro163Leu (NM_001406766.1, NM_001406767.1, NM_001406770.1); short protein forms P259L, P5L, P163L, P216L.
Identifiers: ClinVar variation 405523 (VCV000405523.22), dbSNP rs759812068, ClinGen allele CA044880.